The following is an entry in ClinVar:

ClinVar aggregate classification (germline): Likely benign. Review status: criteria provided, multiple submitters, no conflicts (2 of 4 stars). 3 submissions from 3 submitters: Likely benign (3). Last evaluated 2025-05-05.

Conditions:
Wiskott-Aldrich syndrome 2 (WAS2). Also called: WIPF1 DEFICIENCY. Identifiers: Orphanet 906, MedGen C3281001, MONDO:0013779, OMIM 614493.

Allele frequency attached by ClinVar (database versions not stated): ExAC 0.00002; gnomAD exomes 0.00002; gnomAD 0.00003; TOPMed 0.00003.
gnomAD v4.1: 33 of 1,613,022 alleles (0.002%); highest among the groups gnomAD compares: Admixed American, 0.0033%; no homozygotes.

Submissions (4):

Labcorp Genetics (formerly Invitae), Labcorp
Classification: Likely benign for Wiskott-Aldrich syndrome 2. Last evaluated: 2025-05-05. Review status: criteria provided, single submitter. Criteria: Invitae Variant Classification Sherloc (09022015). Collection method: clinical testing. Allele origin: germline.

Blueprint Genetics
Classification: Likely benign. Last evaluated: 2024-10-08. Review status: criteria provided, single submitter. Criteria: ACMG Guidelines, 2015. Collection method: clinical testing. Allele origin: germline.

CeGaT Center for Human Genetics Tuebingen
Classification: Likely benign. Last evaluated: 2024-01-01. Review status: criteria provided, single submitter. Criteria: CeGaT Center For Human Genetics Tuebingen Variant Classification Criteria Version 2. Collection method: clinical testing. Allele origin: germline. Affected: yes. Observed: 1 variant allele.
Comment: WIPF1: BP4, BP7

Dr. Peter K. Rogan Lab, Western University
No classification provided (evidence only). Condition: Malignant tumor of urinary bladder. Review status: no classification provided. Collection method: in vitro. Allele origin: not applicable. Functional consequence: skipped exon. Not counted in ClinVar's aggregate classification.

NM_001375834.1(WIPF1):c.258C>T (p.Gly86=)

Genes: WIPF1 (WAS/WASL interacting protein family member 1; minus strand), WIPF1-AS1 (WIPF1 and CHRNA1 antisense RNA 1; plus strand). Cytogenetic location: 2q31.1.
Variant type: single nucleotide variant.
Coding change: c.258C>T on transcript NM_001375834.1 (MANE Select); coding-DNA position 258, C replaced by T.
Protein change: p.Gly86=; no amino-acid change (glycine 86 retained).
Molecular consequence: synonymous variant. On other transcripts: intron variant (1).
Genome position (GRCh38, 1-based): chr2:174,575,304, G>A on the plus strand (C>T on the coding strand, the complement: WIPF1 is on the minus strand). VCF-style: chr2-174575304-G-A. GRCh37 (hg19) VCF-style: chr2-175440032-G-A.
Other names: c.258C>T, p.Gly86= (NM_001077269.1, NM_001375832.1, NM_001375833.1 and 5 more transcripts); c.182-3059C>T (NM_001375839.1).
Identifiers: ClinVar variation 796352 (VCV000796352.32), dbSNP rs781522403, ClinGen allele CA1974187.
Genomic context (GRCh38, chr2:174,575,304, plus strand): 5'-AGCCTGGAACAATCCTCCCAGACCTGGAGGTCCGCCCCCTCCAAAACTTCCACCGCCTCC[G>A]CCACCACCTCCTCCGCCAAATCCGCCGCCTCCACCAAAGCCACCACCACCGCCTCCAGCA-3'
Protein context (NP_001362763.1, residues 76-96): GGGGFGGGGG[Gly86=]GGGGSFGGGG